The following is an entry in ClinVar:

ClinVar aggregate classification (germline): Uncertain significance. Review status: criteria provided, multiple submitters, no conflicts (2 of 4 stars). 2 submissions from 2 submitters: Uncertain significance (2). Last evaluated 2024-10-16.

Conditions:
Idiopathic generalized epilepsy. Also called: Generalised epilepsy; EIG. Identifiers: MedGen C0270850, MONDO:0005579, OMIM 600669.
Hyperaldosteronism, familial, type IV (HALD4). Also called: FH IV; ALDOSTERONISM, PRIMARY, AND HYPERTENSION. Identifiers: Orphanet 642671, MedGen C4310756, MONDO:0014875, OMIM 617027.
Epilepsy, childhood absence, susceptibility to, 6. Identifiers: Orphanet 64280, MedGen C2749872, MONDO:0012763, OMIM 611942.

Allele frequency attached by ClinVar (database versions not stated): TOPMed 0.00003.
gnomAD v4.1: 4 of 1,592,210 alleles (0.00025%); highest among the groups gnomAD compares: African/African-American, 0.004%; no homozygotes.

Submissions (2):

Labcorp Genetics (formerly Invitae), Labcorp
Classification: Uncertain significance for Idiopathic generalized epilepsy; Hyperaldosteronism, familial, type IV. Last evaluated: 2024-10-16. Review status: criteria provided, single submitter. Criteria: Invitae Variant Classification Sherloc (09022015). Collection method: clinical testing. Allele origin: germline.
Comment: This sequence change falls in intron 21 of the CACNA1H gene. It does not directly change the encoded amino acid sequence of the CACNA1H protein. It affects a nucleotide within the consensus splice site. This variant is not present in population databases (gnomAD no frequency). This variant has not been reported in the literature in individuals affected with CACNA1H-related conditions. ClinVar contains an entry for this variant (Variation ID: 1010735). Variants that disrupt the consensus splice site are a relatively common cause of aberrant splicing (PMID: 17576681, 9536098). Algorithms developed to predict the effect of sequence changes on RNA splicing suggest that this variant is not likely to affect RNA splicing. In summary, the available evidence is currently insufficient to determine the role of this variant in disease. Therefore, it has been classified as a Variant of Uncertain Significance.

Fulgent Genetics
Classification: Uncertain significance for Epilepsy, childhood absence, susceptibility to, 6; Hyperaldosteronism, familial, type IV. Last evaluated: 2024-05-14. Review status: criteria provided, single submitter. Criteria: ACMG Guidelines, 2015. Collection method: clinical testing. Allele origin: germline.

Literature cited by the submitters: PubMed 17576681 (cited by Labcorp Genetics (formerly Invitae), Labcorp); PubMed 9536098 (cited by Labcorp Genetics (formerly Invitae), Labcorp).

NM_021098.3(CACNA1H):c.4223+3G>A

Gene: CACNA1H (calcium voltage-gated channel subunit alpha1 H; plus strand). Cytogenetic location: 16p13.3.
Variant type: single nucleotide variant.
Coding change: c.4223+3G>A on transcript NM_021098.3 (MANE Select); 3 bases into the intron after coding-DNA position 4223, G replaced by A.
Molecular consequence: intron variant.
Genome position (GRCh38, 1-based): chr16:1,210,974, G>A. VCF-style: chr16-1210974-G-A. GRCh37 (hg19) VCF-style: chr16-1260974-G-A.
Other names: c.4223+3G>A (NM_001005407.2).
Identifiers: ClinVar variation 1010735 (VCV001010735.7), dbSNP rs1241517773, ClinGen allele CA718070245.